The following is an entry in ClinVar:

ClinVar aggregate classification (germline): Likely pathogenic (1 of 4 stars; one submission).

Conditions:
Dilated cardiomyopathy 1S (CMD1S). Identifiers: Orphanet 154, Orphanet 54260, MedGen C1834481, MONDO:0013262, OMIM 613426.

Submission:

Victorian Clinical Genetics Services, Murdoch Childrens Research Institute
Classification: Likely pathogenic for Dilated cardiomyopathy 1S. Last evaluated: 2021-05-06. Review status: criteria provided, single submitter. Criteria: ACMG Guidelines, 2015. Collection method: clinical testing. Allele origin: germline.
Comment: Based on the classification scheme VCGS_Germline_v1.3.4, this variant is classified as Likely pathogenic. Following criteria are met: 0105 - The mechanism of disease for this gene is not clearly established. However, missense variants have been proposed to act in a dominant negative manner (PMID: 24714796). (I) 0108 - This gene is associated with both recessive and dominant disease. Pathogenic variants in this gene are usually heterozygous, however a recessive inheritance pattern has been observed in severe cases (OMIM). (I) 0112 - The condition associated with this gene has incomplete penetrance (PMID: 29300372). (I) 0200 - Variant is predicted to result in a missense amino acid change from lysine to asparagine. (I) 0251 - This variant is heterozygous. (I) 0301 - Variant is absent from gnomAD (both v2 and v3). (SP) 0501 - Missense variant consistently predicted to be damaging by multiple in silico tools or highly conserved with a major amino acid change. (SP) 0601 - Variant is located in the well-established functional myosin head domain (PMID: 29300372). (SP) 0710 - Another missense variant comparable to the one identified in this case has inconclusive previous evidence for pathogenicity. A different variant in the same codon resulting in a change to a glutamine has been reported as a VUS (ClinVar). (I) 0809 - Previous evidence of pathogenicity for this variant is inconclusive. This variant has been previously reported as a VUS (Global Variome shared LOVD). (I) 0905 - No published segregation evidence has been identified for this variant. (I) 1007 - No published functional evidence has been identified for this variant. (SP) Legend: (SP) - Supporting pathogenic, (I) - Information, (SB) - Supporting benign

Literature cited by the submitters: PubMed 25125180; PubMed 27387980; PubMed 30897599; PubMed 24714796; PubMed 29300372.

NM_000257.4(MYH7):c.1653G>C (p.Lys551Asn)

Gene: MYH7 (myosin heavy chain 7; minus strand). Cytogenetic location: 14q11.2.
Variant type: single nucleotide variant.
Coding change: c.1653G>C on transcript NM_000257.4 (MANE Select); coding-DNA position 1653, G replaced by C.
Protein change: p.Lys551Asn; replaces lysine 551 with asparagine.
Molecular consequence: missense variant.
Genome position (GRCh38, 1-based): chr14:23,427,820, C>G on the plus strand (G>C on the coding strand, the complement: MYH7 is on the minus strand). VCF-style: chr14-23427820-C-G. GRCh37 (hg19) VCF-style: chr14-23897029-C-G.
Other names: c.1653G>C, p.Lys551Asn (NM_001407004.1); short protein forms K551N.
Identifiers: ClinVar variation 3377405 (VCV003377405.1).